The following is an entry in ClinVar:

NM_001005498.4(RHBDF2):c.1465-16_1465-15delinsGC

Gene: RHBDF2 (rhomboid 5 homolog 2; minus strand). Cytogenetic location: 17q25.1.
Variant type: Indel.
Coding change: c.1465-16_1465-15delinsGC on transcript NM_001005498.4 (MANE Select); 16 bases into the intron before coding-DNA position 1465 through 15 bases into the intron before coding-DNA position 1465, TT replaced by GC.
Molecular consequence: intron variant.
Genome position (GRCh38, 1-based): chr17:76,474,157-76,474,158, AA replaced by GC on the plus strand (TT replaced by GC on the coding strand, the reverse complement: RHBDF2 is on the minus strand). VCF-style: chr17-76474157-AA-GC. GRCh37 (hg19) VCF-style: chr17-74470239-AA-GC.
Other names: c.1552-16_1552-15delinsGC (NM_024599.5); c.1465-16_1465-15delinsGC (NM_001376230.1, NM_001376228.1, NM_001376229.1).
Identifiers: ClinVar variation 3603363 (VCV003603363.2).

ClinVar aggregate classification (germline): Uncertain significance (1 of 4 stars; one submission).

Submission:

Labcorp Genetics (formerly Invitae), Labcorp
Classification: Uncertain significance. Last evaluated: 2025-10-29. Review status: criteria provided, single submitter. Criteria: Invitae Variant Classification Sherloc (09022015). Collection method: clinical testing. Allele origin: germline.
Comment: This sequence change falls in intron 12 of the RHBDF2 gene. It does not directly change the encoded amino acid sequence of the RHBDF2 protein. Information on the frequency of this variant in the gnomAD database is not available, as this variant may be reported differently in the database. This variant has not been reported in the literature in individuals affected with RHBDF2-related conditions. ClinVar contains an entry for this variant (Variation ID: 3603363). Experimental studies and prediction algorithms are not available or were not evaluated, and the effect of this variant on mRNA splicing is currently unknown. In summary, the available evidence is currently insufficient to determine the role of this variant in disease. Therefore, it has been classified as a Variant of Uncertain Significance.